The following is an entry in ClinVar:

NM_001854.4(COL11A1):c.1946G>A (p.Gly649Asp)

Gene: COL11A1 (collagen type XI alpha 1 chain; minus strand). Cytogenetic location: 1p21.1.
Variant type: single nucleotide variant.
Coding change: c.1946G>A on transcript NM_001854.4 (MANE Select); coding-DNA position 1946, G replaced by A.
Protein change: p.Gly649Asp; replaces glycine 649 with aspartic acid.
Molecular consequence: missense variant. On other transcripts: non-coding transcript variant (1).
Genome position (GRCh38, 1-based): chr1:103,003,267, C>T on the plus strand (G>A on the coding strand, the complement: COL11A1 is on the minus strand). VCF-style: chr1-103003267-C-T. GRCh37 (hg19) VCF-style: chr1-103468823-C-T.
Other names: c.1598G>A, p.Gly533Asp (NM_001168249.1, NM_080630.4); c.1829G>A, p.Gly610Asp (NM_001190709.2); c.1982G>A, p.Gly661Asp (NM_080629.3); short protein forms G533D, G649D, G661D, G610D.
Identifiers: ClinVar variation 1997783 (VCV001997783.4), dbSNP rs2525370812, ClinGen allele CA341171791.

ClinVar aggregate classification (germline): Uncertain significance (1 of 4 stars; one submission).

Submission:

Labcorp Genetics (formerly Invitae), Labcorp
Classification: Uncertain significance. Last evaluated: 2024-02-18. Review status: criteria provided, single submitter. Criteria: Invitae Variant Classification Sherloc (09022015). Collection method: clinical testing. Allele origin: germline.
Comment: This sequence change replaces glycine, which is neutral and non-polar, with aspartic acid, which is acidic and polar, at codon 649 of the COL11A1 protein (p.Gly649Asp). This variant is not present in population databases (gnomAD no frequency). This variant has not been reported in the literature in individuals affected with COL11A1-related conditions. ClinVar contains an entry for this variant (Variation ID: 1997783). Experimental studies and prediction algorithms are not available or were not evaluated, and the functional significance of this variant is currently unknown. In summary, the available evidence is currently insufficient to determine the role of this variant in disease. Therefore, it has been classified as a Variant of Uncertain Significance.